The following is an entry in ClinVar:

NM_004782.4(SNAP29):c.766C>T (p.Arg256Ter)

Gene: SNAP29 (synaptosome associated protein 29; plus strand). Cytogenetic location: 22q11.21.
Variant type: single nucleotide variant.
Coding change: c.766C>T on transcript NM_004782.4 (MANE Select); coding-DNA position 766, C replaced by T.
Protein change: p.Arg256Ter; replaces arginine 256 with a stop codon.
Molecular consequence: nonsense.
Genome position (GRCh38, 1-based): chr22:20,887,825, C>T. VCF-style: chr22-20887825-C-T. GRCh37 (hg19) VCF-style: chr22-21242113-C-T.
Other names: c.766C>T (NM_004782.3); short protein forms R256*.
Identifiers: ClinVar variation 2052810 (VCV002052810.3), dbSNP rs148156702, ClinGen allele CA10117233.

ClinVar aggregate classification (germline): Uncertain significance. Review status: criteria provided, multiple submitters, no conflicts (2 of 4 stars). 2 submissions from 2 submitters: Uncertain significance (2). Last evaluated 2026-03-30.

Allele frequency attached by ClinVar (database versions not stated): ESP Exome Variant Server 0.00008; 1000 Genomes Project 0.00020; gnomAD 0.00006; TOPMed 0.00006; 1000 Genomes Project 30x 0.00016; ExAC 0.00006.
gnomAD v4.1: 46 of 1,613,964 alleles (0.0029%); highest among the groups gnomAD compares: East Asian, 0.036%; no homozygotes.

Submissions (2):

GeneDx
Classification: Uncertain significance. Last evaluated: 2026-03-30. Review status: criteria provided, single submitter. Criteria: GeneDx Variant Classification Process June 2021. Collection method: clinical testing. Allele origin: germline.
Comment: Nonsense variant predicted to result in protein truncation as the last 3 amino acid(s) are lost; Identified in a patient with seizures in published literature (Sun L et al. (2017) Int J Clin Exp Med. (10(2):3912-3917)); This variant is associated with the following publications: (PMID: Sun2017[Article])

Labcorp Genetics (formerly Invitae), Labcorp
Classification: Uncertain significance. Last evaluated: 2024-12-16. Review status: criteria provided, single submitter. Criteria: Invitae Variant Classification Sherloc (09022015). Collection method: clinical testing. Allele origin: germline.
Comment: This sequence change creates a premature translational stop signal (p.Arg256*) in the SNAP29 gene. While this is not anticipated to result in nonsense mediated decay, it is expected to disrupt the last 3 amino acid(s) of the SNAP29 protein. This variant is present in population databases (rs148156702, gnomAD 0.05%). This variant has not been reported in the literature in individuals affected with SNAP29-related conditions. ClinVar contains an entry for this variant (Variation ID: 2052810). Experimental studies and prediction algorithms are not available or were not evaluated, and the functional significance of this variant is currently unknown. In summary, the available evidence is currently insufficient to determine the role of this variant in disease. Therefore, it has been classified as a Variant of Uncertain Significance.